The following is an entry in ClinVar:

NM_177438.3(DICER1):c.1609T>G (p.Phe537Val)

Gene: DICER1 (dicer 1, ribonuclease III; minus strand). Cytogenetic location: 14q32.13.
Variant type: single nucleotide variant.
Coding change: c.1609T>G on transcript NM_177438.3 (MANE Select); coding-DNA position 1609, T replaced by G.
Protein change: p.Phe537Val; replaces phenylalanine 537 with valine.
Molecular consequence: missense variant. On other transcripts: non-coding transcript variant (6), intron variant (1).
Genome position (GRCh38, 1-based): chr14:95,116,596, A>C on the plus strand (T>G on the coding strand, the complement: DICER1 is on the minus strand). VCF-style: chr14-95116596-A-C. GRCh37 (hg19) VCF-style: chr14-95582933-A-C.
Other names: c.1609T>G, p.Phe537Val (NM_001291628.2, NM_001395677.1, NM_001395678.1 and 12 more transcripts); c.1327T>G, p.Phe443Val (NM_001395686.1); c.1204T>G, p.Phe402Val (NM_001395687.1, NM_001395688.1, NM_001395689.1 and 3 more transcripts); c.1042T>G, p.Phe348Val (NM_001395691.1); c.-59-16T>G (NM_001395697.1); short protein forms F348V, F537V, F402V, F443V.
Identifiers: ClinVar variation 4011630 (VCV004011630.1).

ClinVar aggregate classification (germline): Uncertain significance (1 of 4 stars; one submission).

Conditions:
Hereditary cancer-predisposing syndrome. Also called: Tumor predisposition; Hereditary neoplastic syndrome; Neoplastic Syndromes, Hereditary; Hereditary Cancer Syndrome. Identifiers: Orphanet 140162, MedGen C0027672, MeSH D009386, MONDO:0015356.

Submission:

Ambry Genetics
Classification: Uncertain significance for Hereditary cancer-predisposing syndrome. Last evaluated: 2025-04-11. Review status: criteria provided, single submitter. Criteria: Ambry Variant Classification Scheme 2023. Collection method: clinical testing. Allele origin: germline.
Comment: The p.F537V variant (also known as c.1609T>G), located in coding exon 9 of the DICER1 gene, results from a T to G substitution at nucleotide position 1609. The phenylalanine at codon 537 is replaced by valine, an amino acid with highly similar properties. This amino acid position is conserved. In addition, this alteration is predicted to be deleterious by in silico analysis. Based on the available evidence, the clinical significance of this variant remains unclear.